The following is an entry in ClinVar:

NM_033380.3(COL4A5):c.4706+1G>T

Gene: COL4A5 (collagen type IV alpha 5 chain; plus strand). Cytogenetic location: Xq22.3.
Variant type: single nucleotide variant.
Coding change: c.4706+1G>T on transcript NM_033380.3 (MANE Select); the canonical splice donor site of the intron after coding-DNA position 4706, G replaced by T.
Molecular consequence: splice donor variant.
Genome position (GRCh38, 1-based): chrX:108,692,926, G>T. VCF-style: chrX-108692926-G-T. GRCh37 (hg19) VCF-style: chrX-107936156-G-T.
Other names: c.4688+1G>T (NM_000495.5).
Identifiers: ClinVar variation 1073893 (VCV001073893.14), dbSNP rs1569508998, ClinGen allele CA414132376.

ClinVar aggregate classification (germline): Pathogenic. Review status: criteria provided, multiple submitters, no conflicts (2 of 4 stars). 3 submissions from 3 submitters: Pathogenic (3). Last evaluated 2026-08-28.

Conditions:
X-linked Alport syndrome (ATS1). Also called: NEPHROPATHY AND DEAFNESS, X-LINKED; COL4A5-Related Nephropathy. Identifiers: Orphanet 63, Orphanet 88917, MedGen C4746986, MONDO:0010520, OMIM 301050.

Submissions (3):

Centre de Génétique Humaine, Institut de Pathologie Et de Génétique
Classification: Pathogenic for X-linked Alport syndrome. Last evaluated: 2026-08-28. Review status: criteria provided, single submitter. Criteria: ACMG Guidelines, 2015. Collection method: clinical testing. Allele origin: maternal. Inheritance: X-linked dominant inheritance. Affected: yes. Observed: 2 variant alleles, 2 hemizygotes. Clinical features observed: Microscopic hematuria (HP:0002907), Severe albuminuria (HP:0033066), Hypertensive disorder (HP:0000822), Glomerular basement membrane lamellation (HP:0030034), Stage 5 chronic kidney disease (HP:0003774), Sensorineural hearing loss disorder (HP:0000407), Stage 4 chronic kidney disease (HP:0012626). Segregation with disease observed.
Comment: Variant located in the canonical donor splice site of intron 5 (PVS1). This variant is rare: absent in gnomAD v4.1.0 database (PM2). Another variants affecting de same nucleotide described: c.4688+1 G>A, PMID: 26809805; other variants described in the region positions +2 and +4 and last nucleotide of exon 50: mutational hot spot (PM1). Described as disease-causing in patients with X-linked AS (PP5)

Fulgent Genetics
Classification: Pathogenic for X-linked Alport syndrome. Last evaluated: 2021-12-03. Review status: criteria provided, single submitter. Criteria: ACMG Guidelines, 2015. Collection method: clinical testing. Allele origin: unknown.

Labcorp Genetics (formerly Invitae), Labcorp
Classification: Pathogenic. Last evaluated: 2020-02-25. Review status: criteria provided, single submitter. Criteria: Invitae Variant Classification Sherloc (09022015). Collection method: clinical testing. Allele origin: germline.
Comment: This sequence change affects a donor splice site in intron 48 of the COL4A5 gene. It is expected to disrupt RNA splicing and likely results in an absent or disrupted protein product. This variant is not present in population databases (ExAC no frequency). Disruption of this splice site has been observed in individual(s) with Alport syndrome (PMID: 29854973, 26809805). Algorithms developed to predict the effect of sequence changes on RNA splicing suggest that this variant may disrupt the consensus splice site, but this prediction has not been confirmed by published transcriptional studies. Donor and acceptor splice site variants typically lead to a loss of protein function (PMID: 16199547), and loss-of-function variants in COL4A5 are known to be pathogenic (PMID: 9195222, 10752524, 14514738, 24854265, 26809805). For these reasons, this variant has been classified as Pathogenic.

Literature cited by the submitters: PubMed 29854973 (cited by Centre de Génétique Humaine, Institut de Pathologie Et de Génétique and Labcorp Genetics (formerly Invitae), Labcorp); PubMed 35368817 (cited by Centre de Génétique Humaine, Institut de Pathologie Et de Génétique); PubMed 26809805 (cited by Labcorp Genetics (formerly Invitae), Labcorp); PubMed 16199547 (cited by Labcorp Genetics (formerly Invitae), Labcorp); PubMed 9195222 (cited by Labcorp Genetics (formerly Invitae), Labcorp); PubMed 10752524 (cited by Labcorp Genetics (formerly Invitae), Labcorp); PubMed 14514738 (cited by Labcorp Genetics (formerly Invitae), Labcorp); PubMed 24854265 (cited by Labcorp Genetics (formerly Invitae), Labcorp).